The following is an entry in ClinVar:

ClinVar aggregate classification (germline): Conflicting classifications of pathogenicity. Review status: criteria provided, conflicting classifications (1 of 4 stars). 14 submissions from 14 submitters: Uncertain significance (3); Likely benign (6). 5 of the submissions do not count toward it. Last evaluated 2026-09-01.

Conditions:
SUMF1-related disorder. Also called: SUMF1-related condition.
Multiple sulfatase deficiency (MSD). Also called: Mucosulfatidosis; Sulfatidosis, Juvenile, Austin Type; Multiple Sulfatase Deficiency Disease. Identifiers: Orphanet 585, MedGen C0268263, MONDO:0010088, OMIM 272200.

Allele frequency attached by ClinVar (database versions not stated): 1000 Genomes Project 30x 0.00047; 1000 Genomes Project 0.00060; ExAC 0.00159; gnomAD exomes 0.00163 and 0.00236; gnomAD 0.00176 and 0.00180; TOPMed 0.00194; ESP Exome Variant Server 0.00208.
gnomAD v4.1: 3,685 of 1,614,078 alleles (0.23%); highest among the groups gnomAD compares: Admixed American, 0.33%; 3 homozygotes.

Submissions (14):

CeGaT Center for Human Genetics Tuebingen
Classification: Likely benign. Last evaluated: 2026-09-01. Review status: criteria provided, single submitter. Criteria: CeGaT Center For Human Genetics Tuebingen Variant Classification Criteria Version 2. Collection method: clinical testing. Allele origin: germline. Affected: yes. Observed: 1 variant allele.
Comment: SUMF1: PS1, BS1, BS2

Labcorp Genetics (formerly Invitae), Labcorp
Classification: Likely benign for Multiple sulfatase deficiency. Last evaluated: 2026-02-02. Review status: criteria provided, single submitter. Criteria: Invitae Variant Classification Sherloc (09022015). Collection method: clinical testing. Allele origin: germline.

Mayo Clinic Laboratories, Mayo Clinic
Classification: Likely benign. Last evaluated: 2025-07-10. Review status: criteria provided, single submitter. Criteria: ACMG Guidelines, 2015. Collection method: clinical testing. Allele origin: germline. Observed: 6 variant alleles.
Comment: BS1

Blueprint Genetics
Classification: Likely benign. Last evaluated: 2024-11-26. Review status: criteria provided, single submitter. Criteria: ACMG Guidelines, 2015. Collection method: clinical testing. Allele origin: germline.

Genome-Nilou Lab
Classification: Likely benign for Multiple sulfatase deficiency. Last evaluated: 2021-09-05. Review status: criteria provided, single submitter. Criteria: ACMG Guidelines, 2015. Collection method: clinical testing. Allele origin: germline. Affected: no.

GeneDx
Classification: Likely benign. Last evaluated: 2018-11-16. Review status: criteria provided, single submitter. Criteria: GeneDx Variant Classification Process June 2021. Collection method: clinical testing. Allele origin: germline. Affected: yes.
Comment: This variant is associated with the following publications: (PMID: 29375859)

Fulgent Genetics
Classification: Uncertain significance for Multiple sulfatase deficiency. Last evaluated: 2018-10-31. Review status: criteria provided, single submitter. Criteria: ACMG Guidelines, 2015. Collection method: clinical testing. Allele origin: unknown.

Illumina Laboratory Services, Illumina
Classification: Uncertain significance for Multiple sulfatase deficiency. Last evaluated: 2018-01-12. Review status: criteria provided, single submitter. Criteria: ICSL Variant Classification Criteria 13 December 2019. Collection method: clinical testing. Allele origin: germline.

Molecular Genetics Lab, CHRU Brest
Classification: Uncertain significance for Multiple sulfatase deficiency. Review status: criteria provided, single submitter. Criteria: ACMG Guidelines, 2015. Collection method: clinical testing. Allele origin: biparental. Affected: yes.

PreventionGenetics, part of Exact Sciences
Classification: Likely benign for SUMF1-related condition. Last evaluated: 2022-04-13. Review status: no assertion criteria provided. Collection method: clinical testing. Allele origin: germline. Not counted in ClinVar's aggregate classification.
Comment: This variant is classified as likely benign based on ACMG/AMP sequence variant interpretation guidelines (Richards et al. 2015 PMID: 25741868, with internal and published modifications).

Natera, Inc.
Classification: Likely benign for Multiple sulfatase deficiency. Last evaluated: 2020-04-23. Review status: no assertion criteria provided. Collection method: clinical testing. Allele origin: germline. Not counted in ClinVar's aggregate classification.

Clinical Genetics DNA and cytogenetics Diagnostics Lab, Erasmus MC, Erasmus Medical Center
Classification: Uncertain significance. Review status: no assertion criteria provided. Collection method: clinical testing. Allele origin: germline. Affected: yes. Study: VKGL Data-share Consensus. Not counted in ClinVar's aggregate classification.

Joint Genome Diagnostic Labs from Nijmegen and Maastricht, Radboudumc and MUMC+
Classification: Uncertain significance. Review status: no assertion criteria provided. Collection method: clinical testing. Allele origin: germline. Affected: yes. Study: VKGL Data-share Consensus. Not counted in ClinVar's aggregate classification.

Laboratory of Diagnostic Genome Analysis, Leiden University Medical Center (LUMC)
Classification: Uncertain significance. Review status: no assertion criteria provided. Collection method: clinical testing. Allele origin: germline. Affected: yes. Study: VKGL Data-share Consensus. Not counted in ClinVar's aggregate classification.

NM_182760.4(SUMF1):c.664G>C (p.Gly222Arg)

Gene: SUMF1 (sulfatase modifying factor 1; minus strand). Cytogenetic location: 3p26.1.
Variant type: single nucleotide variant.
Coding change: c.664G>C on transcript NM_182760.4 (MANE Select); coding-DNA position 664, G replaced by C.
Protein change: p.Gly222Arg; replaces glycine 222 with arginine.
Molecular consequence: missense variant.
Genome position (GRCh38, 1-based): chr3:4,418,071, C>G on the plus strand (G>C on the coding strand, the complement: SUMF1 is on the minus strand). VCF-style: chr3-4418071-C-G. GRCh37 (hg19) VCF-style: chr3-4459755-C-G.
Other names: p.Gly222Arg; c.589G>C, p.Gly197Arg (NM_001164674.2); c.664G>C, p.Gly222Arg (NM_001164675.2); short protein forms G222R, G197R.
Identifiers: ClinVar variation 345316 (VCV000345316.32), dbSNP rs137917233, ClinGen allele CA2230505.